The following is an entry in ClinVar:

NM_005228.5(EGFR):c.1643A>C (p.Glu548Ala)

Gene: EGFR (epidermal growth factor receptor; plus strand). Cytogenetic location: 7p11.2.
Variant type: single nucleotide variant.
Coding change: c.1643A>C on transcript NM_005228.5 (MANE Select); coding-DNA position 1643, A replaced by C.
Protein change: p.Glu548Ala; replaces glutamic acid 548 with alanine.
Molecular consequence: missense variant.
Genome position (GRCh38, 1-based): chr7:55,163,744, A>C. VCF-style: chr7-55163744-A-C. GRCh37 (hg19) VCF-style: chr7-55231437-A-C.
Other names: c.1508A>C, p.Glu503Ala (NM_001346897.2, NM_001346899.2); c.1643A>C, p.Glu548Ala (NM_001346898.2, NM_201282.2, NM_201284.2); c.1484A>C, p.Glu495Ala (NM_001346900.2); c.842A>C, p.Glu281Ala (NM_001346941.2); short protein forms E495A, E503A, E548A, E281A.
Identifiers: ClinVar variation 4639311 (VCV004639311.1).

ClinVar aggregate classification (germline): Uncertain significance (1 of 4 stars; one submission).

Conditions:
Hereditary cancer-predisposing syndrome. Also called: Neoplastic Syndromes, Hereditary; Tumor predisposition; Hereditary Cancer Syndrome; Hereditary neoplastic syndrome. Identifiers: Orphanet 140162, MedGen C0027672, MeSH D009386, MONDO:0015356.

Submission:

Ambry Genetics
Classification: Uncertain significance for Hereditary cancer-predisposing syndrome. Last evaluated: 2025-11-01. Review status: criteria provided, single submitter. Criteria: Ambry Variant Classification Scheme 2023. Collection method: clinical testing. Allele origin: germline.
Comment: The p.E548A variant (also known as c.1643A>C), located in coding exon 14 of the EGFR gene, results from an A to C substitution at nucleotide position 1643. The glutamic acid at codon 548 is replaced by alanine, an amino acid with dissimilar properties. This amino acid position is conserved. In addition, the in silico prediction for this alteration is inconclusive. Based on the available evidence, the clinical significance of this variant remains unclear.